The following is an entry in ClinVar:

NM_000135.4(FANCA):c.49G>T (p.Gly17Cys)

Genes: FANCA (FA complementation group A; minus strand), LOC112486223 (Sharpr-MPRA regulatory region 3988; plus strand). Cytogenetic location: 16q24.3.
Variant type: single nucleotide variant.
Coding change: c.49G>T on transcript NM_000135.4 (MANE Select); coding-DNA position 49, G replaced by T.
Protein change: p.Gly17Cys; replaces glycine 17 with cysteine.
Molecular consequence: missense variant.
Genome position (GRCh38, 1-based): chr16:89,816,567, C>A on the plus strand (G>T on the coding strand, the complement: FANCA is on the minus strand). VCF-style: chr16-89816567-C-A. GRCh37 (hg19) VCF-style: chr16-89882975-C-A.
Other names: c.49G>T, p.Gly17Cys (NM_001018112.3, NM_001286167.3, NM_001351830.2); c.49G>T (NM_000135.3); short protein forms G17C.
Identifiers: ClinVar variation 2183318 (VCV002183318.6), dbSNP rs982957228, ClinGen allele CA286612747.

ClinVar aggregate classification (germline): Uncertain significance. Review status: criteria provided, multiple submitters, no conflicts (2 of 4 stars). 5 submissions from 5 submitters: Uncertain significance (5). Last evaluated 2026-10-01.

Conditions:
Inborn genetic diseases. Identifiers: MedGen C0950123, MeSH D030342.
Fanconi anemia complementation group A (FANCA). Also called: Fanconi anemia, group A; FANCA-Related Fanconi Anemia. Identifiers: Orphanet 84, MedGen C3469521, MONDO:0009215, OMIM 227650.
Fanconi anemia (FA). Also called: Fanconi's anemia. Identifiers: Orphanet 84, MedGen C0015625, MeSH D005199, MONDO:0019391.

Allele frequency attached by ClinVar (database versions not stated): gnomAD 0.00004; TOPMed 0.00006.

Submissions (5):

St. Jude Molecular Pathology, St. Jude Children's Research Hospital
Classification: Uncertain significance for Fanconi anemia complementation group A. Last evaluated: 2026-10-01. Review status: criteria provided, single submitter. Criteria: St. Jude Assertion Criteria 2020. Collection method: clinical testing. Allele origin: germline.
Comment: The FANCA c.49G>T p.(Gly17Cys) missense change is absent in gnomAD v2.1.1. The in silico tool REVEL predicts a benign effect on protein function, but to our knowledge this prediction has not been confirmed by functional studies. To our knowledge, this variant has not been reported in individuals with Fanconi anemia. In summary, th e evidence currently available is insufficient to determine the clinical significance of this variant. It has therefore been classified as of uncertain significance (VUS-Low).

Quest Diagnostics Nichols Institute San Juan Capistrano
Classification: Uncertain significance. Last evaluated: 2025-11-05. Review status: criteria provided, single submitter. Criteria: Quest Diagnostics criteria. Collection method: clinical testing. Allele origin: unknown.
Comment: The FANCA c.49G>T (p.Gly17Cys) variant has not been reported in individuals with FANCA-related conditions in the published literature. The frequency of this variant in the general population (Genome Aggregation Database) is uninformative in the assessment of its pathogenicity. Analysis of this variant using bioinformatics tools for the prediction of the effect of amino acid changes on protein structure and function yielded conflicting predictions that this variant is benign or damaging. Based on the available information, we are unable to determine the clinical significance of this variant.

Ambry Genetics
Classification: Uncertain significance for Inborn genetic diseases. Last evaluated: 2024-10-04. Review status: criteria provided, single submitter. Criteria: Ambry Variant Classification Scheme 2023. Collection method: clinical testing. Allele origin: germline.
Comment: The p.G17C variant (also known as c.49G>T), located in coding exon 1 of the FANCA gene, results from a G to T substitution at nucleotide position 49. The glycine at codon 17 is replaced by cysteine, an amino acid with highly dissimilar properties. This amino acid position is conserved. In addition, this alteration is predicted to be tolerated by in silico analysis. Based on the available evidence, the clinical significance of this variant remains unclear.

Fulgent Genetics
Classification: Uncertain significance for Fanconi anemia complementation group A. Last evaluated: 2024-06-04. Review status: criteria provided, single submitter. Criteria: ACMG Guidelines, 2015. Collection method: clinical testing. Allele origin: germline.

Labcorp Genetics (formerly Invitae), Labcorp
Classification: Uncertain significance for Fanconi anemia. Last evaluated: 2022-03-02. Review status: criteria provided, single submitter. Criteria: Invitae Variant Classification Sherloc (09022015). Collection method: clinical testing. Allele origin: germline.
Comment: This sequence change replaces glycine, which is neutral and non-polar, with cysteine, which is neutral and slightly polar, at codon 17 of the FANCA protein (p.Gly17Cys). This variant is not present in population databases (gnomAD no frequency). This variant has not been reported in the literature in individuals affected with FANCA-related conditions. Advanced modeling of protein sequence and biophysical properties (such as structural, functional, and spatial information, amino acid conservation, physicochemical variation, residue mobility, and thermodynamic stability) performed at Invitae indicates that this missense variant is not expected to disrupt FANCA protein function. Algorithms developed to predict the effect of sequence changes on RNA splicing suggest that this variant may create or strengthen a splice site. In summary, the available evidence is currently insufficient to determine the role of this variant in disease. Therefore, it has been classified as a Variant of Uncertain Significance.